The following is an entry in ClinVar:

NM_006231.4(POLE):c.1949C>T (p.Thr650Ile)

Gene: POLE (DNA polymerase epsilon, catalytic subunit; minus strand). Cytogenetic location: 12q24.33.
Variant type: single nucleotide variant.
Coding change: c.1949C>T on transcript NM_006231.4 (MANE Select); coding-DNA position 1949, C replaced by T.
Protein change: p.Thr650Ile; replaces threonine 650 with isoleucine.
Molecular consequence: missense variant.
Genome position (GRCh38, 1-based): chr12:132,668,712, G>A on the plus strand (C>T on the coding strand, the complement: POLE is on the minus strand). VCF-style: chr12-132668712-G-A. GRCh37 (hg19) VCF-style: chr12-133245298-G-A.
Other names: c.1949C>T (NM_006231.2); short protein forms T650I.
Identifiers: ClinVar variation 642025 (VCV000642025.12), dbSNP rs115559742, ClinGen allele CA6893749.
Genomic context (GRCh38, chr12:132,668,712, plus strand): 5'-TGCCAGGCCATCTTCCGCTGGCAGTTTGCTCCAGGCTTATTGAAGTCACAGGCAGCACAG[G>A]TGGCTTCGTCCACCATGGCAGAGGGCTGGGAGGGGTGAGAAAGCACTTAGGGCTGGGCAG-3'
Protein context (NP_006222.2, residues 640-660): LQPSAMVDEA[Thr650Ile]CAACDFNKPG

ClinVar aggregate classification (germline): Uncertain significance. Review status: criteria provided, multiple submitters, no conflicts (2 of 4 stars). 4 submissions from 4 submitters: Uncertain significance (4). Last evaluated 2025-10-15.

Conditions:
Hereditary cancer-predisposing syndrome. Also called: Neoplastic Syndromes, Hereditary; Tumor predisposition; Hereditary neoplastic syndrome; Hereditary Cancer Syndrome. Identifiers: Orphanet 140162, MedGen C0027672, MeSH D009386, MONDO:0015356.
Colorectal cancer, susceptibility to, 12 (CRCS12). Also called: COLORECTAL CANCER, SUSCEPTIBILITY TO, ON CHROMOSOME 12q24. Identifiers: Orphanet 220460, MedGen C3554460, MONDO:0014038, OMIM 615083.
Facial dysmorphism-immunodeficiency-livedo-short stature syndrome. Also called: Facial dysmorphism, immunodeficiency, livedo, and short stature; FILS syndrome. Identifiers: Orphanet 352712, MedGen C3554576, MONDO:0014058, OMIM 615139.
Intrauterine growth retardation, metaphyseal dysplasia, adrenal hypoplasia congenita, genital anomalies, and immunodeficiency. Also called: IMAGEI SYNDROME. Identifiers: MedGen C5193036, MONDO:0032684, OMIM 618336.

Allele frequency attached by ClinVar (database versions not stated): ExAC 0.00001; gnomAD exomes 0.00001; TOPMed 0.00001; gnomAD 0.00002 and 0.00003; 1000 Genomes Project 0.00020; 1000 Genomes Project 30x 0.00031.
gnomAD v4.1: 8 of 1,614,118 alleles (0.0005%); highest among the groups gnomAD compares: Middle Eastern, 0.017%; no homozygotes.

Submissions (4):

Labcorp Genetics (formerly Invitae), Labcorp
Classification: Uncertain significance. Last evaluated: 2025-10-15. Review status: criteria provided, single submitter. Criteria: Invitae Variant Classification Sherloc (09022015). Collection method: clinical testing. Allele origin: germline.
Comment: This sequence change replaces threonine, which is neutral and polar, with isoleucine, which is neutral and non-polar, at codon 650 of the POLE protein (p.Thr650Ile). This variant is present in population databases (rs115559742, gnomAD 0.006%). This variant has not been reported in the literature in individuals affected with POLE-related conditions. ClinVar contains an entry for this variant (Variation ID: 642025). Invitae Evidence Modeling of protein sequence and biophysical properties (such as structural, functional, and spatial information, amino acid conservation, physicochemical variation, residue mobility, and thermodynamic stability) indicates that this missense variant is not expected to disrupt POLE protein function with a negative predictive value of 80%. In summary, the available evidence is currently insufficient to determine the role of this variant in disease. Therefore, it has been classified as a Variant of Uncertain Significance.

Ambry Genetics
Classification: Uncertain significance for Hereditary cancer-predisposing syndrome. Last evaluated: 2025-03-06. Review status: criteria provided, single submitter. Criteria: Ambry Variant Classification Scheme 2023. Collection method: clinical testing. Allele origin: germline.
Comment: The p.T650I variant (also known as c.1949C>T), located in coding exon 18 of the POLE gene, results from a C to T substitution at nucleotide position 1949. The threonine at codon 650 is replaced by isoleucine, an amino acid with similar properties. This amino acid position is well conserved in available vertebrate species. In addition, this alteration is predicted to be tolerated by in silico analysis. Based on the available evidence, the clinical significance of this variant remains unclear.

Fulgent Genetics
Classification: Uncertain significance for Colorectal cancer, susceptibility to, 12; Facial dysmorphism-immunodeficiency-livedo-short stature syndrome; Intrauterine growth retardation, metaphyseal dysplasia, adrenal hypoplasia congenita, genital anomalies, and immunodeficiency. Last evaluated: 2024-01-06. Review status: criteria provided, single submitter. Criteria: ACMG Guidelines, 2015. Collection method: clinical testing. Allele origin: germline.

GeneDx
Classification: Uncertain significance. Last evaluated: 2019-10-24. Review status: criteria provided, single submitter. Criteria: GeneDx Variant Classification Process June 2021. Collection method: clinical testing. Allele origin: germline. Affected: yes.
Comment: Not observed at a significant frequency in large population cohorts (Lek 2016); In silico analysis, which includes protein predictors and evolutionary conservation, supports that this variant does not alter protein structure/function; Has not been previously published as pathogenic or benign to our knowledge